The following is an entry in ClinVar:

ClinVar aggregate classification (germline): Benign/Likely benign. Review status: criteria provided, multiple submitters, no conflicts (2 of 4 stars). 2 submissions from 2 submitters: Benign (1); Likely benign (1). Last evaluated 2021-11-04.

Conditions:
Familial hyperaldosteronism type III. Also called: FH III; Familial hyperaldosteronism type 3. Identifiers: Orphanet 251274, MedGen C3838758, MONDO:0013359, OMIM 613677.

Allele frequency attached by ClinVar (database versions not stated): gnomAD 0.00373 and 0.00348; TOPMed 0.00411; 1000 Genomes Project 0.00379; 1000 Genomes Project 30x 0.00500.

Submissions (2):

GeneDx
Classification: Likely benign. Last evaluated: 2021-11-04. Review status: criteria provided, single submitter. Criteria: GeneDx Variant Classification Process June 2021. Collection method: clinical testing. Allele origin: germline. Affected: yes.
Comment: See Variant Classification Assertion Criteria.

Illumina Laboratory Services, Illumina
Classification: Benign for Familial hyperaldosteronism type III. Last evaluated: 2018-01-12. Review status: criteria provided, single submitter. Criteria: ICSL Variant Classification Criteria 13 December 2019. Collection method: clinical testing. Allele origin: germline.
Comment: This variant was observed in the ICSL laboratory as part of a predisposition screen in an ostensibly healthy population. It had not been previously curated by ICSL or reported in the Human Gene Mutation Database (HGMD: prior to June 1st, 2018), and was therefore a candidate for classification through an automated scoring system. Utilizing variant allele frequency, disease prevalence and penetrance estimates, and inheritance mode, an automated score was calculated to assess if this variant is too frequent to cause the disease. Based on the score and internal cut-off values, a variant classified as benign is not then subjected to further curation. The score for this variant resulted in a classification of benign for this disease.

NM_000890.5(KCNJ5):c.*759C>T

Gene: KCNJ5 (potassium inwardly rectifying channel subfamily J member 5; plus strand). Cytogenetic location: 11q24.3.
Variant type: single nucleotide variant.
Coding change: c.*759C>T on transcript NM_000890.5 (MANE Select); 759 bases downstream of the stop codon, C replaced by T.
Molecular consequence: 3 prime UTR variant.
Genome position (GRCh38, 1-based): chr11:128,917,490, C>T. VCF-style: chr11-128917490-C-T. GRCh37 (hg19) VCF-style: chr11-128787385-C-T.
Other names: c.*759C>T (LRG_333t1, NM_001354169.2).
Identifiers: ClinVar variation 303647 (VCV000303647.7), dbSNP rs75453162, ClinGen allele CA10638508.